The following is an entry in ClinVar:

NM_001367721.1(CASK):c.1033+7A>G

Gene: CASK (calcium/calmodulin dependent serine protein kinase; minus strand). Cytogenetic location: Xp11.4.
Variant type: single nucleotide variant.
Coding change: c.1033+7A>G on transcript NM_001367721.1 (MANE Select); 7 bases into the intron after coding-DNA position 1033, A replaced by G.
Molecular consequence: intron variant.
Genome position (GRCh38, 1-based): chrX:41,622,610, T>C on the plus strand (A>G on the coding strand, the complement: CASK is on the minus strand). VCF-style: chrX-41622610-T-C. GRCh37 (hg19) VCF-style: chrX-41481863-T-C.
Other names: c.1015+3994A>G (NM_001126055.3, NM_001410745.1); c.1033+7A>G (NM_001126054.3, NM_003688.4).
Identifiers: ClinVar variation 1935457 (VCV001935457.5), dbSNP rs755111722, ClinGen allele CA10390278.

ClinVar aggregate classification (germline): Uncertain significance (1 of 4 stars; one submission).

Conditions:
Intellectual disability, CASK-related, X-linked. Identifiers: MedGen CN043158.

Allele frequency attached by ClinVar (database versions not stated): gnomAD 0.00001; ExAC 0.00002; 1000 Genomes Project 30x 0.00021; 1000 Genomes Project 0.00026.
gnomAD v4.1: 1 of 1,194,040 alleles (0.000084%); highest among the groups gnomAD compares: Admixed American, 0.0022%; no homozygotes.

Submission:

Labcorp Genetics (formerly Invitae), Labcorp
Classification: Uncertain significance for Intellectual disability, CASK-related, X-linked. Last evaluated: 2022-06-13. Review status: criteria provided, single submitter. Criteria: Invitae Variant Classification Sherloc (09022015). Collection method: clinical testing. Allele origin: germline.
Comment: The frequency data for this variant in the population databases is considered unreliable, as metrics indicate poor data quality at this position in the gnomAD database. This sequence change falls in intron 11 of the CASK gene. It does not directly change the encoded amino acid sequence of the CASK protein. This variant has not been reported in the literature in individuals affected with CASK-related conditions. In summary, the available evidence is currently insufficient to determine the role of this variant in disease. Therefore, it has been classified as a Variant of Uncertain Significance. Algorithms developed to predict the effect of sequence changes on RNA splicing suggest that this variant may disrupt the consensus splice site.